The following is an entry in ClinVar:

NM_021927.3(GUF1):c.1202+3A>G

Gene: GUF1 (GTP binding elongation factor GUF1; plus strand). Cytogenetic location: 4p12.
Variant type: single nucleotide variant.
Coding change: c.1202+3A>G on transcript NM_021927.3 (MANE Select); 3 bases into the intron after coding-DNA position 1202, A replaced by G.
Molecular consequence: intron variant.
Genome position (GRCh38, 1-based): chr4:44,689,412, A>G. VCF-style: chr4-44689412-A-G. GRCh37 (hg19) VCF-style: chr4-44691429-A-G.
Other names: c.1202+3A>G (NM_001345868.2); c.230+3A>G (NM_001345867.2, NM_001345869.2).
Identifiers: ClinVar variation 1964319 (VCV001964319.5), dbSNP rs781024971, ClinGen allele CA2905561.

ClinVar aggregate classification (germline): Uncertain significance (1 of 4 stars; one submission).

Allele frequency attached by ClinVar (database versions not stated): TOPMed below 0.00001; ExAC 0.00001; gnomAD exomes 0.00001.
gnomAD v4.1: 5 of 1,601,028 alleles (0.00031%); highest among the groups gnomAD compares: South Asian, 0.0022%; no homozygotes.

Submission:

Labcorp Genetics (formerly Invitae), Labcorp
Classification: Uncertain significance. Last evaluated: 2024-06-24. Review status: criteria provided, single submitter. Criteria: Invitae Variant Classification Sherloc (09022015). Collection method: clinical testing. Allele origin: germline.
Comment: This sequence change falls in intron 10 of the GUF1 gene. It does not directly change the encoded amino acid sequence of the GUF1 protein. It affects a nucleotide within the consensus splice site. This variant is present in population databases (rs781024971, gnomAD 0.003%). This variant has not been reported in the literature in individuals affected with GUF1-related conditions. ClinVar contains an entry for this variant (Variation ID: 1964319). Variants that disrupt the consensus splice site are a relatively common cause of aberrant splicing (PMID: 17576681, 9536098). Algorithms developed to predict the effect of sequence changes on RNA splicing suggest that this variant is not likely to affect RNA splicing. In summary, the available evidence is currently insufficient to determine the role of this variant in disease. Therefore, it has been classified as a Variant of Uncertain Significance.

Literature cited by the submitters: PubMed 17576681; PubMed 9536098.